The following is an entry in ClinVar:

ClinVar aggregate classification (germline): Uncertain significance (1 of 4 stars; one submission).

Conditions:
Very long chain acyl-CoA dehydrogenase deficiency (ACADVLD). Also called: VLCAD Deficiency; Very Long-Chain Acyl-Coenzyme A Dehydrogenase Deficiency. Identifiers: Orphanet 26793, MedGen C3887523, MONDO:0008723, OMIM 201475.

Allele frequency attached by ClinVar (database versions not stated): gnomAD exomes below 0.00001.
gnomAD v4.1: 1 of 1,614,032 alleles (0.000062%); highest among the groups gnomAD compares: Non-Finnish European, 0.000085%; no homozygotes.

Submission:

Labcorp Genetics (formerly Invitae), Labcorp
Classification: Uncertain significance for Very long chain acyl-CoA dehydrogenase deficiency. Last evaluated: 2023-07-17. Review status: criteria provided, single submitter. Criteria: Invitae Variant Classification Sherloc (09022015). Collection method: clinical testing. Allele origin: germline.
Comment: In summary, the available evidence is currently insufficient to determine the role of this variant in disease. Therefore, it has been classified as a Variant of Uncertain Significance. Algorithms developed to predict the effect of missense changes on protein structure and function output the following: SIFT: "Not Available"; PolyPhen-2: "Benign"; Align-GVGD: "Not Available". The tyrosine amino acid residue is found in multiple mammalian species, which suggests that this missense change does not adversely affect protein function. ClinVar contains an entry for this variant (Variation ID: 2200619). This variant has not been reported in the literature in individuals affected with ACADVL-related conditions. This variant is not present in population databases (gnomAD no frequency). This sequence change replaces histidine, which is basic and polar, with tyrosine, which is neutral and polar, at codon 593 of the ACADVL protein (p.His593Tyr).

NM_000018.4(ACADVL):c.1777C>T (p.His593Tyr)

Gene: ACADVL (acyl-CoA dehydrogenase very long chain; plus strand). Cytogenetic location: 17p13.1.
Variant type: single nucleotide variant.
Coding change: c.1777C>T on transcript NM_000018.4 (MANE Select); coding-DNA position 1777, C replaced by T.
Protein change: p.His593Tyr; replaces histidine 593 with tyrosine.
Molecular consequence: missense variant.
Genome position (GRCh38, 1-based): chr17:7,224,834, C>T. VCF-style: chr17-7224834-C-T. GRCh37 (hg19) VCF-style: chr17-7128153-C-T.
Other names: c.1711C>T, p.His571Tyr (NM_001033859.3); c.1846C>T, p.His616Tyr (NM_001270447.2); c.1549C>T, p.His517Tyr (NM_001270448.2); short protein forms H616Y, H517Y, H571Y, H593Y.
Identifiers: ClinVar variation 2200619 (VCV002200619.4), dbSNP rs1405392965, ClinGen allele CA397725860.